The following is an entry in ClinVar:

ClinVar aggregate classification (germline): Uncertain significance (1 of 4 stars; one submission).

Conditions:
Familial temporal lobe epilepsy 7. Identifiers: Orphanet 101046, MedGen C4225327, MONDO:0014639, OMIM 616436.
Norman-Roberts syndrome (LIS2). Also called: Lissencephaly 2 (Norman-Roberts type). Identifiers: Orphanet 89844, MedGen C0796089, MONDO:0009760, OMIM 257320.

Submission:

Labcorp Genetics (formerly Invitae), Labcorp
Classification: Uncertain significance for Familial temporal lobe epilepsy 7; Norman-Roberts syndrome. Last evaluated: 2024-05-02. Review status: criteria provided, single submitter. Criteria: Invitae Variant Classification Sherloc (09022015). Collection method: clinical testing. Allele origin: germline.
Comment: This sequence change replaces methionine, which is neutral and non-polar, with isoleucine, which is neutral and non-polar, at codon 1860 of the RELN protein (p.Met1860Ile). This variant is not present in population databases (gnomAD no frequency). This variant has not been reported in the literature in individuals affected with RELN-related conditions. Advanced modeling of protein sequence and biophysical properties (such as structural, functional, and spatial information, amino acid conservation, physicochemical variation, residue mobility, and thermodynamic stability) performed at Invitae indicates that this missense variant is not expected to disrupt RELN protein function with a negative predictive value of 80%. In summary, the available evidence is currently insufficient to determine the role of this variant in disease. Therefore, it has been classified as a Variant of Uncertain Significance.

NM_005045.4(RELN):c.5580G>A (p.Met1860Ile)

Gene: RELN (reelin; minus strand). Cytogenetic location: 7q22.1.
Variant type: single nucleotide variant.
Coding change: c.5580G>A on transcript NM_005045.4 (MANE Select); coding-DNA position 5580, G replaced by A.
Protein change: p.Met1860Ile; replaces methionine 1860 with isoleucine.
Molecular consequence: missense variant.
Genome position (GRCh38, 1-based): chr7:103,557,999, C>T on the plus strand (G>A on the coding strand, the complement: RELN is on the minus strand). VCF-style: chr7-103557999-C-T. GRCh37 (hg19) VCF-style: chr7-103198446-C-T.
Other names: c.5580G>A, p.Met1860Ile (NM_173054.3); short protein forms M1860I.
Identifiers: ClinVar variation 3750351 (VCV003750351.2).